The following is an entry in ClinVar:

NM_004369.4(COL6A3):c.4969G>A (p.Glu1657Lys)

Gene: COL6A3 (collagen type VI alpha 3 chain; minus strand). Cytogenetic location: 2q37.3.
Variant type: single nucleotide variant.
Coding change: c.4969G>A on transcript NM_004369.4 (MANE Select); coding-DNA position 4969, G replaced by A.
Protein change: p.Glu1657Lys; replaces glutamic acid 1657 with lysine.
Molecular consequence: missense variant.
Genome position (GRCh38, 1-based): chr2:237,367,218, C>T on the plus strand (G>A on the coding strand, the complement: COL6A3 is on the minus strand). VCF-style: chr2-237367218-C-T. GRCh37 (hg19) VCF-style: chr2-238275861-C-T.
Other names: c.3148G>A, p.Glu1050Lys (NM_057166.5); c.4351G>A, p.Glu1451Lys (NM_057167.4); short protein forms E1451K, E1050K, E1657K.
Identifiers: ClinVar variation 971774 (VCV000971774.10), dbSNP rs1194443961, ClinGen allele CA351189894.

ClinVar aggregate classification (germline): Uncertain significance (1 of 4 stars; one submission).

Conditions:
Bethlem myopathy 1A. Also called: Bethlem Muscular Dystrophy; Bethlem myopathy 1; MYOPATHY, BENIGN CONGENITAL, WITH CONTRACTURES. Identifiers: Orphanet 610, MedGen CN029274, MONDO:0024530, OMIM 158810.

Allele frequency attached by ClinVar (database versions not stated): gnomAD exomes below 0.00001.
gnomAD v4.1: 1 of 1,613,994 alleles (0.000062%); highest among the groups gnomAD compares: Non-Finnish European, 0.000085%; no homozygotes.

Submission:

Labcorp Genetics (formerly Invitae), Labcorp
Classification: Uncertain significance for Bethlem myopathy 1A. Last evaluated: 2019-11-13. Review status: criteria provided, single submitter. Criteria: Invitae Variant Classification Sherloc (09022015). Collection method: clinical testing. Allele origin: germline.
Comment: In summary, the available evidence is currently insufficient to determine the role of this variant in disease. Therefore, it has been classified as a Variant of Uncertain Significance. Algorithms developed to predict the effect of missense changes on protein structure and function are either unavailable or do not agree on the potential impact of this missense change (SIFT: "Tolerated"; PolyPhen-2: "Probably Damaging"; Align-GVGD: "Class C0"). This variant has not been reported in the literature in individuals with COL6A3-related conditions. This variant is not present in population databases (ExAC no frequency). This sequence change replaces glutamic acid with lysine at codon 1657 of the COL6A3 protein (p.Glu1657Lys). The glutamic acid residue is moderately conserved and there is a small physicochemical difference between glutamic acid and lysine.